The following is an entry in ClinVar:

NM_014780.5(CUL7):c.3274C>T (p.Arg1092Trp)

Gene: CUL7 (cullin 7; minus strand). Cytogenetic location: 6p21.1.
Variant type: single nucleotide variant.
Coding change: c.3274C>T on transcript NM_014780.5 (MANE Select); coding-DNA position 3274, C replaced by T.
Protein change: p.Arg1092Trp; replaces arginine 1092 with tryptophan.
Molecular consequence: missense variant.
Genome position (GRCh38, 1-based): chr6:43,043,529, G>A on the plus strand (C>T on the coding strand, the complement: CUL7 is on the minus strand). VCF-style: chr6-43043529-G-A. GRCh37 (hg19) VCF-style: chr6-43011267-G-A.
Other names: c.3370C>T, p.Arg1124Trp (NM_001168370.2, NM_001374872.1); c.3274C>T, p.Arg1092Trp (NM_001374873.1, NM_001374874.1); short protein forms R1092W, R1124W.
Identifiers: ClinVar variation 3610505 (VCV003610505.2).

ClinVar aggregate classification (germline): Uncertain significance (1 of 4 stars; one submission).

gnomAD v4.1: 42 of 1,613,966 alleles (0.0026%); highest among the groups gnomAD compares: South Asian, 0.0088%; no homozygotes.

Submission:

Labcorp Genetics (formerly Invitae), Labcorp
Classification: Uncertain significance. Last evaluated: 2025-08-18. Review status: criteria provided, single submitter. Criteria: Invitae Variant Classification Sherloc (09022015). Collection method: clinical testing. Allele origin: germline.
Comment: This sequence change replaces arginine, which is basic and polar, with tryptophan, which is neutral and slightly polar, at codon 1092 of the CUL7 protein (p.Arg1092Trp). This variant is present in population databases (rs745548927, gnomAD 0.02%). This variant has not been reported in the literature in individuals affected with CUL7-related conditions. ClinVar contains an entry for this variant (Variation ID: 3610505). Invitae Evidence Modeling of protein sequence and biophysical properties (such as structural, functional, and spatial information, amino acid conservation, physicochemical variation, residue mobility, and thermodynamic stability) indicates that this missense variant is not expected to disrupt CUL7 protein function with a negative predictive value of 80%. In summary, the available evidence is currently insufficient to determine the role of this variant in disease. Therefore, it has been classified as a Variant of Uncertain Significance.